The following is an entry in ClinVar:

ClinVar aggregate classification (germline): Uncertain significance (1 of 4 stars; one submission).

Conditions:
Autosomal recessive nonsyndromic hearing loss 66 (DFNB66). Also called: Deafness, autosomal recessive 66. Identifiers: Orphanet 90636, MedGen C1857750, MONDO:0012442, OMIM 610212.
Isolated neonatal sclerosing cholangitis (NSC). Also called: Sclerosing cholangitis, neonatal. Identifiers: Orphanet 480556, MedGen C4479344, MONDO:0018816, OMIM 617394.

Allele frequency attached by ClinVar (database versions not stated): TOPMed below 0.00001; ExAC 0.00001; ESP Exome Variant Server 0.00008.
gnomAD v4.1: 2 of 1,614,214 alleles (0.00012%); highest among the groups gnomAD compares: Non-Finnish European, 0.00017%; no homozygotes.

Submission:

Labcorp Genetics (formerly Invitae), Labcorp
Classification: Uncertain significance for Autosomal recessive nonsyndromic hearing loss 66; Isolated neonatal sclerosing cholangitis. Last evaluated: 2021-09-20. Review status: criteria provided, single submitter. Criteria: Invitae Variant Classification Sherloc (09022015). Collection method: clinical testing. Allele origin: germline.
Comment: In summary, the available evidence is currently insufficient to determine the role of this variant in disease. Therefore, it has been classified as a Variant of Uncertain Significance. Algorithms developed to predict the effect of missense changes on protein structure and function are either unavailable or do not agree on the potential impact of this missense change (SIFT: "Deleterious"; PolyPhen-2: "Benign"; Align-GVGD: "Class C0"). This variant has not been reported in the literature in individuals affected with DCDC2-related conditions. This variant is present in population databases (rs375119774, ExAC 0.001%). This sequence change replaces aspartic acid with valine at codon 428 of the DCDC2 protein (p.Asp428Val). The aspartic acid residue is weakly conserved and there is a large physicochemical difference between aspartic acid and valine.

NM_016356.5(DCDC2):c.1283A>T (p.Asp428Val)

Gene: DCDC2 (doublecortin domain containing 2; minus strand). Cytogenetic location: 6p22.3.
Variant type: single nucleotide variant.
Coding change: c.1283A>T on transcript NM_016356.5 (MANE Select); coding-DNA position 1283, A replaced by T.
Protein change: p.Asp428Val; replaces aspartic acid 428 with valine.
Molecular consequence: missense variant.
Genome position (GRCh38, 1-based): chr6:24,178,373, T>A on the plus strand (A>T on the coding strand, the complement: DCDC2 is on the minus strand). VCF-style: chr6-24178373-T-A. GRCh37 (hg19) VCF-style: chr6-24178601-T-A.
Other names: c.1283A>T, p.Asp428Val (NM_001195610.2); short protein forms D428V.
Identifiers: ClinVar variation 1472214 (VCV001472214.6), dbSNP rs375119774, ClinGen allele CA3654467.
Genomic context (GRCh38, chr6:24,178,373, plus strand): 5'-AAAAGCAATAGAAATACCTCATCTTGTCCACTGCCAGCTCCTTGAGACTTTCTTTCCTTG[T>A]CTAGGACCAGTTGAAGCTCATTATTAACCTGCTGCAGCTCCTCACCATTCTCCTCATCGG-3'
Protein context (NP_057440.2, residues 418-438): QVNNELQLVL[Asp428Val]KERKSQGAGS